The following is an entry in ClinVar:

NM_013372.7(GREM1):c.173G>C (p.Arg58Pro)

Gene: GREM1 (gremlin 1, DAN family BMP antagonist; plus strand). Cytogenetic location: 15q13.3.
Variant type: single nucleotide variant.
Coding change: c.173G>C on transcript NM_013372.7 (MANE Select); coding-DNA position 173, G replaced by C.
Protein change: p.Arg58Pro; replaces arginine 58 with proline.
Molecular consequence: missense variant. On other transcripts: intron variant (2).
Genome position (GRCh38, 1-based): chr15:32,730,863, G>C. VCF-style: chr15-32730863-G-C. GRCh37 (hg19) VCF-style: chr15-33023064-G-C.
Other names: c.173G>C, p.Arg58Pro (NM_001368719.1); c.114+59G>C (NM_001191323.2); c.28-65G>C (NM_001191322.2); short protein forms R58P.
Identifiers: ClinVar variation 2452384 (VCV002452384.3), dbSNP rs1278786063, ClinGen allele CA391557341.

ClinVar aggregate classification (germline): Uncertain significance (1 of 4 stars; one submission).

Conditions:
Hereditary cancer-predisposing syndrome. Also called: Neoplastic Syndromes, Hereditary; Tumor predisposition; Hereditary neoplastic syndrome; Hereditary Cancer Syndrome. Identifiers: Orphanet 140162, MedGen C0027672, MeSH D009386, MONDO:0015356.

Submission:

Ambry Genetics
Classification: Uncertain significance for Hereditary cancer-predisposing syndrome. Last evaluated: 2025-05-31. Review status: criteria provided, single submitter. Criteria: Ambry Variant Classification Scheme 2023. Collection method: clinical testing. Allele origin: germline.
Comment: The p.R58P variant (also known as c.173G>C), located in coding exon 1 of the GREM1 gene, results from a G to C substitution at nucleotide position 173. The arginine at codon 58 is replaced by proline, an amino acid with dissimilar properties. This amino acid position is conserved. In addition, this alteration is predicted to be tolerated by in silico analysis. Since supporting evidence is limited at this time, the clinical significance of this alteration remains unclear.